The following is an entry in ClinVar:

ClinVar aggregate classification (germline): Likely benign. Review status: criteria provided, multiple submitters, no conflicts (2 of 4 stars). 2 submissions from 2 submitters: Likely benign (2). Last evaluated 2025-06-11.

Conditions:
Von Hippel-Lindau syndrome (VHLS). Also called: Von Hippel-Lindau; von Hippel–Lindau syndrome; VHL syndrome. Identifiers: Orphanet 892, MedGen C0019562, MONDO:0008667, OMIM 193300. Disease mechanism: loss of function.
Chuvash polycythemia. Also called: POLYCYTHEMIA, VHL-DEPENDENT. Identifiers: Orphanet 238557, MedGen C1837915, MONDO:0009892, OMIM 263400.

Allele frequency attached by ClinVar (database versions not stated): gnomAD exomes below 0.00001.

Submissions (2):

Myriad Genetics, Inc.
Classification: Likely benign for Von Hippel-Lindau syndrome. Last evaluated: 2025-06-11. Review status: criteria provided, single submitter. Criteria: Myriad Autosomal Dominant, Autosomal Recessive and X-Linked Classification Criteria (2023). Collection method: clinical testing. Allele origin: unknown.
Comment: This variant is considered likely benign. This variant is intronic and is not expected to impact mRNA splicing.

Labcorp Genetics (formerly Invitae), Labcorp
Classification: Likely benign for Von Hippel-Lindau syndrome; Chuvash polycythemia. Last evaluated: 2023-04-28. Review status: criteria provided, single submitter. Criteria: Invitae Variant Classification Sherloc (09022015). Collection method: clinical testing. Allele origin: germline.

NM_000551.4(VHL):c.340+9C>T

Gene: VHL (von Hippel-Lindau tumor suppressor; plus strand). Cytogenetic location: 3p25.3.
Variant type: single nucleotide variant.
Coding change: c.340+9C>T on transcript NM_000551.4 (MANE Select); 9 bases into the intron after coding-DNA position 340, C replaced by T.
Molecular consequence: intron variant.
Genome position (GRCh38, 1-based): chr3:10,142,196, C>T. VCF-style: chr3-10142196-C-T. GRCh37 (hg19) VCF-style: chr3-10183880-C-T.
Other names: c.340+9C>T (NM_001354723.2, NM_198156.3).
Identifiers: ClinVar variation 732157 (VCV000732157.10), dbSNP rs1575922622, ClinGen allele CA645524866.